The following is an entry in ClinVar:

NM_004168.4(SDHA):c.1615A>G (p.Ile539Val)

Gene: SDHA (succinate dehydrogenase complex flavoprotein subunit A; plus strand). Cytogenetic location: 5p15.33.
Variant type: single nucleotide variant.
Coding change: c.1615A>G on transcript NM_004168.4 (MANE Select); coding-DNA position 1615, A replaced by G.
Protein change: p.Ile539Val; replaces isoleucine 539 with valine.
Molecular consequence: missense variant. On other transcripts: intron variant (1).
Genome position (GRCh38, 1-based): chr5:251,055, A>G. VCF-style: chr5-251055-A-G. GRCh37 (hg19) VCF-style: chr5-251170-A-G.
Other names: c.1471A>G, p.Ile491Val (NM_001294332.2); c.1552-3338A>G (NM_001330758.2); short protein forms I539V, I491V.
Identifiers: ClinVar variation 2132957 (VCV002132957.4), dbSNP rs2477454995, ClinGen allele CA358998608.

ClinVar aggregate classification (germline): Uncertain significance (1 of 4 stars; one submission).

Conditions:
Mitochondrial complex II deficiency, nuclear type 1. Also called: SUCCINATE CoQ REDUCTASE DEFICIENCY. Identifiers: Orphanet 3208, MedGen C5700310, MONDO:0100294, OMIM 252011.
Pheochromocytoma/paraganglioma syndrome 5. Also called: Paragangliomas 5; SDHA-Related Hereditary Paraganglioma-Pheochromocytoma Syndrome. Identifiers: Orphanet 29072, MedGen C3279992, MONDO:0013602, OMIM 614165.

Submission:

Labcorp Genetics (formerly Invitae), Labcorp
Classification: Uncertain significance for Pheochromocytoma/paraganglioma syndrome 5; Mitochondrial complex II deficiency, nuclear type 1. Last evaluated: 2022-05-03. Review status: criteria provided, single submitter. Criteria: Invitae Variant Classification Sherloc (09022015). Collection method: clinical testing. Allele origin: germline.
Comment: Advanced modeling of protein sequence and biophysical properties (such as structural, functional, and spatial information, amino acid conservation, physicochemical variation, residue mobility, and thermodynamic stability) performed at Invitae indicates that this missense variant is not expected to disrupt SDHA protein function. This variant has not been reported in the literature in individuals affected with SDHA-related conditions. This variant is not present in population databases (gnomAD no frequency). This sequence change replaces isoleucine, which is neutral and non-polar, with valine, which is neutral and non-polar, at codon 539 of the SDHA protein (p.Ile539Val). In summary, the available evidence is currently insufficient to determine the role of this variant in disease. Therefore, it has been classified as a Variant of Uncertain Significance.